The following is an entry in ClinVar:

ClinVar aggregate classification (germline): Pathogenic/Likely pathogenic. Review status: criteria provided, multiple submitters, no conflicts (2 of 4 stars). 2 submissions from 2 submitters: Pathogenic (1); Likely pathogenic (1). Last evaluated 2024-03-31.

Conditions:
Autosomal recessive nonsyndromic hearing loss 77. Identifiers: Orphanet 90636, MedGen C2746083, MONDO:0013119, OMIM 613079.

Submissions (2):

Fulgent Genetics
Classification: Likely pathogenic for Autosomal recessive nonsyndromic hearing loss 77. Last evaluated: 2024-03-31. Review status: criteria provided, single submitter. Criteria: ACMG Guidelines, 2015. Collection method: clinical testing. Allele origin: germline.

Labcorp Genetics (formerly Invitae), Labcorp
Classification: Pathogenic. Last evaluated: 2023-10-26. Review status: criteria provided, single submitter. Criteria: Invitae Variant Classification Sherloc (09022015). Collection method: clinical testing. Allele origin: germline.
Comment: This sequence change creates a premature translational stop signal (p.Ala1684Cysfs*16) in the LOXHD1 gene. It is expected to result in an absent or disrupted protein product. Loss-of-function variants in LOXHD1 are known to be pathogenic (PMID: 19732867, 21465660, 25792669). This variant is not present in population databases (gnomAD no frequency). This premature translational stop signal has been observed in individual(s) with deafness (PMID: 35711932). This variant is also known as NM_001145472.2: c.1716_1717insT (p.Ala573CysfsTer16). For these reasons, this variant has been classified as Pathogenic.

Literature cited by the submitters: PubMed 19732867 (cited by Labcorp Genetics (formerly Invitae), Labcorp); PubMed 21465660 (cited by Labcorp Genetics (formerly Invitae), Labcorp); PubMed 25792669 (cited by Labcorp Genetics (formerly Invitae), Labcorp); PubMed 35711932 (cited by Labcorp Genetics (formerly Invitae), Labcorp).

NM_001384474.1(LOXHD1):c.5049_5050insT (p.Ala1684fs)

Gene: LOXHD1 (lipoxygenase homology PLAT domains 1; minus strand). Cytogenetic location: 18q21.1.
Variant type: Insertion.
Coding change: c.5049_5050insT on transcript NM_001384474.1 (MANE Select); coding-DNA positions 5049 to 5050, T inserted.
Protein change: p.Ala1684fs; shifts the reading frame from alanine 1684.
Molecular consequence: frameshift variant.
Genome position: GRCh38 VCF-style: chr18-46522136-C-CA. GRCh37 (hg19) VCF-style: chr18-44102099-C-CA.
Other names: c.1716_1717insT, p.Ala573fs (NM_001145472.3); c.1428_1429insT, p.Ala477fs (NM_001308013.2); c.5049_5050insT, p.Ala1684fs (NM_144612.7); c.5049_5050insT (NM_144612.6); short protein forms A1684fs, A477fs, A573fs.
Identifiers: ClinVar variation 2771920 (VCV002771920.4), dbSNP rs2511598572, ClinGen allele CA2695227502.